The following is an entry in ClinVar:

ClinVar aggregate classification (germline): Likely benign (1 of 4 stars; one submission).

gnomAD v4.1: 1 of 1,527,918 alleles (0.000065%); highest among the groups gnomAD compares: Non-Finnish European, 0.000089%; no homozygotes.

Submission:

Women's Health and Genetics/Laboratory Corporation of America, LabCorp
Classification: Likely benign. Last evaluated: 2024-06-13. Review status: criteria provided, single submitter. Criteria: LabCorp Variant Classification Summary - May 2015. Collection method: clinical testing. Allele origin: germline.
Comment: Variant summary: ADGRV1 c.2017-19G>C alters a non-conserved nucleotide located at a position not widely known to affect splicing. Consensus agreement among computation tools predict no significant impact on normal splicing. However, these predictions have yet to be confirmed by functional studies. The variant was absent in 211308 control chromosomes. The available data on variant occurrences in the general population are insufficient to allow any conclusion about variant significance. To our knowledge, no occurrence of c.2017-19G>C in individuals affected with ADGRV1-Related Disorders and no experimental evidence demonstrating its impact on protein function have been reported. No submitters have cited clinical-significance assessments for this variant to ClinVar. Based on the evidence outlined above, the variant was classified as likely benign.

NM_032119.4(ADGRV1):c.2017-19G>C

Gene: ADGRV1 (adhesion G protein-coupled receptor V1; plus strand). Cytogenetic location: 5q14.3.
Variant type: single nucleotide variant.
Coding change: c.2017-19G>C on transcript NM_032119.4 (MANE Select); 19 bases into the intron before coding-DNA position 2017, G replaced by C.
Molecular consequence: intron variant.
Genome position (GRCh38, 1-based): chr5:90,637,706, G>C. VCF-style: chr5-90637706-G-C. GRCh37 (hg19) VCF-style: chr5-89933523-G-C.
Identifiers: ClinVar variation 3339560 (VCV003339560.1).